The following is an entry in ClinVar:

NM_138295.5(PKD1L1):c.1473G>A (p.Val491=)

Gene: PKD1L1 (polycystin 1 like 1, transient receptor potential channel interacting; minus strand). Cytogenetic location: 7p12.3.
Variant type: single nucleotide variant.
Coding change: c.1473G>A on transcript NM_138295.5 (MANE Select); coding-DNA position 1473, G replaced by A.
Protein change: p.Val491=; no amino-acid change (valine 491 retained).
Molecular consequence: synonymous variant.
Genome position (GRCh38, 1-based): chr7:47,905,892, C>T on the plus strand (G>A on the coding strand, the complement: PKD1L1 is on the minus strand). VCF-style: chr7-47905892-C-T. GRCh37 (hg19) VCF-style: chr7-47945489-C-T.
Other names: c.1473G>A (NM_138295.3).
Identifiers: ClinVar variation 2743394 (VCV002743394.5), dbSNP rs374886580, ClinGen allele CA4254041.

ClinVar aggregate classification (germline): Likely benign. Review status: criteria provided, single submitter (1 of 4 stars). 2 submissions from 2 submitters: Likely benign (1). 1 of the submissions does not count toward it. Last evaluated 2026-01-06.

Conditions:
PKD1L1-related disorder. Also called: PKD1L1-related condition.

Allele frequency attached by ClinVar (database versions not stated): gnomAD exomes 0.00020; gnomAD 0.00031; ESP Exome Variant Server 0.00031; TOPMed 0.00021; ExAC 0.00023.
gnomAD v4.1: 338 of 1,613,666 alleles (0.021%); highest among the groups gnomAD compares: Non-Finnish European, 0.02%; no homozygotes.

Submissions (2):

Labcorp Genetics (formerly Invitae), Labcorp
Classification: Likely benign. Last evaluated: 2026-01-06. Review status: criteria provided, single submitter. Criteria: Invitae Variant Classification Sherloc (09022015). Collection method: clinical testing. Allele origin: germline.

PreventionGenetics, part of Exact Sciences
Classification: Likely benign for PKD1L1-related condition. Last evaluated: 2019-07-12. Review status: no assertion criteria provided. Collection method: clinical testing. Allele origin: germline. Not counted in ClinVar's aggregate classification.
Comment: This variant is classified as likely benign based on ACMG/AMP sequence variant interpretation guidelines (Richards et al. 2015 PMID: 25741868, with internal and published modifications).